The following is an entry in ClinVar:

ClinVar aggregate classification (germline): Uncertain significance (1 of 4 stars; one submission).

Conditions:
RASopathy. Also called: rasopathies; Noonan spectrum disorder. Identifiers: Orphanet 536391, MedGen C5555857, MONDO:0021060.

Allele frequency attached by ClinVar (database versions not stated): gnomAD exomes below 0.00001.
gnomAD v4.1: 3 of 1,614,042 alleles (0.00019%); highest among the groups gnomAD compares: Non-Finnish European, 0.000085%; no homozygotes.

Submission:

Labcorp Genetics (formerly Invitae), Labcorp
Classification: Uncertain significance for RASopathy. Last evaluated: 2025-10-29. Review status: criteria provided, single submitter. Criteria: Invitae Variant Classification Sherloc (09022015). Collection method: clinical testing. Allele origin: germline.
Comment: This sequence change replaces glutamic acid, which is acidic and polar, with lysine, which is basic and polar, at codon 132 of the NRAS protein (p.Glu132Lys). This variant is present in population databases (no rsID available, gnomAD 0.01%). This variant has not been reported in the literature in individuals affected with NRAS-related conditions. ClinVar contains an entry for this variant (Variation ID: 2919474). Invitae Evidence Modeling of protein sequence and biophysical properties (such as structural, functional, and spatial information, amino acid conservation, physicochemical variation, residue mobility, and thermodynamic stability) indicates that this missense variant is not expected to disrupt NRAS protein function with a negative predictive value of 95%. Experimental studies have shown that this missense change affects NRAS function (PMID: 32620824). In summary, the available evidence is currently insufficient to determine the role of this variant in disease. Therefore, it has been classified as a Variant of Uncertain Significance.

Literature cited by the submitters: PubMed 32620824.

NM_002524.5(NRAS):c.394G>A (p.Glu132Lys)

Gene: NRAS (NRAS proto-oncogene, GTPase; minus strand). Cytogenetic location: 1p13.2.
Variant type: single nucleotide variant.
Coding change: c.394G>A on transcript NM_002524.5 (MANE Select); coding-DNA position 394, G replaced by A.
Protein change: p.Glu132Lys; replaces glutamic acid 132 with lysine.
Molecular consequence: missense variant.
Genome position (GRCh38, 1-based): chr1:114,709,625, C>T on the plus strand (G>A on the coding strand, the complement: NRAS is on the minus strand). VCF-style: chr1-114709625-C-T. GRCh37 (hg19) VCF-style: chr1-115252246-C-T.
Other names: short protein forms E132K.
Identifiers: ClinVar variation 2919474 (VCV002919474.3), dbSNP rs1456325880, ClinGen allele CA341739295.